The following is an entry in ClinVar:

NM_173354.5(SIK1):c.854C>A (p.Pro285Gln)

Gene: SIK1 (salt inducible kinase 1; minus strand). Cytogenetic location: 21q22.3.
Variant type: single nucleotide variant.
Coding change: c.854C>A on transcript NM_173354.5 (MANE Select); coding-DNA position 854, C replaced by A.
Protein change: p.Pro285Gln; replaces proline 285 with glutamine.
Molecular consequence: missense variant.
Genome position (GRCh38, 1-based): chr21:43,420,352, G>T on the plus strand (C>A on the coding strand, the complement: SIK1 is on the minus strand). VCF-style: chr21-43420352-G-T. GRCh37 (hg19) VCF-style: chr21-44840232-G-T.
Other names: short protein forms P285Q.
Identifiers: ClinVar variation 1493178 (VCV001493178.8), dbSNP rs567695572, ClinGen allele CA410609267.

ClinVar aggregate classification (germline): Uncertain significance (1 of 4 stars; one submission).

Conditions:
Developmental and epileptic encephalopathy, 30 (DEE30). Also called: Epileptic encephalopathy, early infantile, 30. Identifiers: MedGen C4225360, MONDO:0014595, OMIM 616341.

Submission:

Labcorp Genetics (formerly Invitae), Labcorp
Classification: Uncertain significance for Developmental and epileptic encephalopathy, 30. Last evaluated: 2023-04-24. Review status: criteria provided, single submitter. Criteria: Invitae Variant Classification Sherloc (09022015). Collection method: clinical testing. Allele origin: germline.
Comment: This variant is not present in population databases (gnomAD no frequency). This sequence change replaces proline, which is neutral and non-polar, with glutamine, which is neutral and polar, at codon 285 of the SIK1 protein (p.Pro285Gln). Advanced modeling of protein sequence and biophysical properties (such as structural, functional, and spatial information, amino acid conservation, physicochemical variation, residue mobility, and thermodynamic stability) performed at Invitae indicates that this missense variant is not expected to disrupt SIK1 protein function. In summary, the available evidence is currently insufficient to determine the role of this variant in disease. Therefore, it has been classified as a Variant of Uncertain Significance. This variant has not been reported in the literature in individuals affected with SIK1-related conditions. ClinVar contains an entry for this variant (Variation ID: 1493178).